The following is an entry in ClinVar:

ClinVar aggregate classification (germline): Uncertain significance (1 of 4 stars; one submission).

Conditions:
ARID1B-Related Disorder. Identifiers: MedGen CN381337.

Submission:

PreventionGenetics, part of Exact Sciences
Classification: Uncertain significance for ARID1B-related condition. Last evaluated: 2026-05-07. Review status: criteria provided, single submitter. Criteria: ACMG Guidelines, 2015. Collection method: clinical testing. Allele origin: germline.
Comment: The ARID1B c.3701T>C variant is predicted to result in the amino acid substitution p.Ile1234Thr. To our knowledge, this variant has not been reported in the literature or in a large population database (gnomAD), indicating this variant is rare. At this time, the clinical significance of this variant is uncertain due to the absence of conclusive functional and genetic evidence.

NM_001374828.1(ARID1B):c.4070T>C (p.Ile1357Thr)

Gene: ARID1B (AT-rich interaction domain 1B; plus strand). Cytogenetic location: 6q25.3.
Variant type: single nucleotide variant.
Coding change: c.4070T>C on transcript NM_001374828.1 (MANE Select); coding-DNA position 4070, T replaced by C.
Protein change: p.Ile1357Thr; replaces isoleucine 1357 with threonine.
Molecular consequence: missense variant.
Genome position (GRCh38, 1-based): chr6:157,190,049, T>C. VCF-style: chr6-157190049-T-C. GRCh37 (hg19) VCF-style: chr6-157511183-T-C.
Other names: c.1571T>C, p.Ile524Thr (NM_001363725.2); c.3950T>C, p.Ile1317Thr (NM_001371656.1, NM_001374820.1); c.4199T>C, p.Ile1400Thr (NM_001438482.1); c.4112T>C, p.Ile1371Thr (NM_001438483.1); c.3980T>C, p.Ile1327Thr (NM_001438485.1); c.3953T>C, p.Ile1318Thr (NM_001438486.1); c.3890T>C, p.Ile1297Thr (NM_001438487.1); c.1412T>C, p.Ile471Thr (NM_001438488.1); and 2 more; short protein forms I1304T, I1357T, I1317T, I524T, I1318T, I1327T, I1297T, I1371T.
Identifiers: ClinVar variation 4993243 (VCV004993243.1).
Genomic context (GRCh38, chr6:157,190,049, plus strand): 5'-AGGTAACTCCTGCTGTATCATTAAGCTTTCATTCTTTGCCTCTCTTCAGAAGCAGTACAA[T>C]CAGTGTGCACGACCCATTCTCAGATGTGAGTGATTCATCCTTCCCGAAACGGAACTCCAT-3'
Protein context (NP_001361757.1, residues 1347-1367): TPMQGGRSST[Ile1357Thr]SVHDPFSDVS